The following is an entry in ClinVar:

ClinVar aggregate classification (germline): Pathogenic (1 of 4 stars; one submission).

Submission:

CeGaT Center for Human Genetics Tuebingen
Classification: Pathogenic. Last evaluated: 2023-08-01. Review status: criteria provided, single submitter. Criteria: CeGaT Center For Human Genetics Tuebingen Variant Classification Criteria Version 2. Collection method: clinical testing. Allele origin: germline. Affected: yes. Observed: 6 variant alleles.
Comment: ADAMTS13: PVS1, PM2, PM3:Supporting, PP4

NM_139027.6(ADAMTS13):c.3288dup (p.Asp1097Ter)

Gene: ADAMTS13 (ADAM metallopeptidase with thrombospondin type 1 motif 13; plus strand). Cytogenetic location: 9q34.2.
Variant type: Duplication.
Coding change: c.3288dup on transcript NM_139027.6 (MANE Select); coding-DNA position 3288, one base duplicated (T; older notation c.3288dupT).
Protein change: p.Asp1097Ter; replaces aspartic acid 1097 with a stop codon.
Molecular consequence: nonsense. On other transcripts: non-coding transcript variant (1).
Genome position (GRCh38, 1-based): chr9:133,455,323, T duplicated. VCF-style (leftmost placement, unchanged base first): chr9-133455322-G-GT. GRCh37 (hg19) VCF-style: chr9-136320444-G-GT.
Other names: c.3288dup, p.Asp1097Ter (NM_139025.5); c.3195dup, p.Asp1066Ter (NM_139026.6); short protein forms D1066*, D1097*.
Identifiers: ClinVar variation 2571344 (VCV002571344.27), dbSNP rs1564443994, ClinGen allele CA860743107.